The following is an entry in ClinVar:

NM_020937.4(FANCM):c.2185C>T (p.His729Tyr)

Gene: FANCM (FA complementation group M; plus strand). Cytogenetic location: 14q21.2.
Variant type: single nucleotide variant.
Coding change: c.2185C>T on transcript NM_020937.4 (MANE Select); coding-DNA position 2185, C replaced by T.
Protein change: p.His729Tyr; replaces histidine 729 with tyrosine.
Molecular consequence: missense variant.
Genome position (GRCh38, 1-based): chr14:45,173,079, C>T. VCF-style: chr14-45173079-C-T. GRCh37 (hg19) VCF-style: chr14-45642282-C-T.
Other names: c.2107C>T, p.His703Tyr (NM_001308133.2); short protein forms H703Y, H729Y.
Identifiers: ClinVar variation 2581862 (VCV002581862.6), dbSNP rs2503172386, ClinGen allele CA389596630.

ClinVar aggregate classification (germline): Uncertain significance. Review status: criteria provided, multiple submitters, no conflicts (2 of 4 stars). 3 submissions from 3 submitters: Uncertain significance (3). Last evaluated 2025-01-26.

Conditions:
Fanconi anemia (FA). Also called: Fanconi's anemia. Identifiers: Orphanet 84, MedGen C0015625, MeSH D005199, MONDO:0019391.
Inborn genetic diseases. Identifiers: MedGen C0950123, MeSH D030342.

Submissions (3):

GeneDx
Classification: Uncertain significance. Last evaluated: 2025-01-26. Review status: criteria provided, single submitter. Criteria: GeneDx Variant Classification Process June 2021. Collection method: clinical testing. Allele origin: germline. Affected: yes.
Comment: Not observed at significant frequency in large population cohorts (gnomAD); In silico analysis supports that this missense variant has a deleterious effect on protein structure/function; Has not been previously published as pathogenic or benign to our knowledge

Ambry Genetics
Classification: Uncertain significance for Inborn genetic diseases. Last evaluated: 2024-12-22. Review status: criteria provided, single submitter. Criteria: Ambry Variant Classification Scheme 2023. Collection method: clinical testing. Allele origin: germline.
Comment: The p.H729Y variant (also known as c.2185C>T), located in coding exon 13 of the FANCM gene, results from a C to T substitution at nucleotide position 2185. The histidine at codon 729 is replaced by tyrosine, an amino acid with similar properties. This amino acid position is conserved. In addition, this alteration is predicted to be tolerated by in silico analysis. Based on the available evidence, the clinical significance of this variant remains unclear.

Labcorp Genetics (formerly Invitae), Labcorp
Classification: Uncertain significance for Fanconi anemia. Last evaluated: 2022-11-04. Review status: criteria provided, single submitter. Criteria: Invitae Variant Classification Sherloc (09022015). Collection method: clinical testing. Allele origin: germline.
Comment: Algorithms developed to predict the effect of missense changes on protein structure and function output the following: SIFT: "Deleterious"; PolyPhen-2: "Benign"; Align-GVGD: "Class C0". The tyrosine amino acid residue is found in multiple mammalian species, which suggests that this missense change does not adversely affect protein function. In summary, the available evidence is currently insufficient to determine the role of this variant in disease. Therefore, it has been classified as a Variant of Uncertain Significance. This variant has not been reported in the literature in individuals affected with FANCM-related conditions. This variant is not present in population databases (gnomAD no frequency). This sequence change replaces histidine, which is basic and polar, with tyrosine, which is neutral and polar, at codon 729 of the FANCM protein (p.His729Tyr).